The following is an entry in ClinVar:

NM_006939.4(SOS2):c.1726G>A (p.Val576Ile)

Gene: SOS2 (SOS Ras/Rho guanine nucleotide exchange factor 2; minus strand). Cytogenetic location: 14q21.3.
Variant type: single nucleotide variant.
Coding change: c.1726G>A on transcript NM_006939.4 (MANE Select); coding-DNA position 1726, G replaced by A.
Protein change: p.Val576Ile; replaces valine 576 with isoleucine.
Molecular consequence: missense variant.
Genome position (GRCh38, 1-based): chr14:50,159,557, C>T on the plus strand (G>A on the coding strand, the complement: SOS2 is on the minus strand). VCF-style: chr14-50159557-C-T. GRCh37 (hg19) VCF-style: chr14-50626275-C-T.
Other names: c.1627G>A, p.Val543Ile (NM_001411020.1); short protein forms V543I, V576I.
Identifiers: ClinVar variation 2823758 (VCV002823758.3), dbSNP rs2502988375, ClinGen allele CA389645116.
Genomic context (GRCh38, chr14:50,159,557, plus strand): 5'-TGCCACTTCTACTTTGCAAGTTGTCTTCAAAAACAATGTTTTCCTCAGAGTCTTTTACTA[C>T]AAAACGATATACTTCAGGACTTGGTAATCTCAGTGGTTGCTCATTTTCTTCTTTCAATAA-3'
Protein context (NP_008870.2, residues 566-586): RLPSPEVYRF[Val576Ile]VKDSEENIVF

ClinVar aggregate classification (germline): Uncertain significance (1 of 4 stars; one submission).

Conditions:
Noonan syndrome 9 (NS9). Identifiers: Orphanet 648, MedGen C4225282, MONDO:0014691, OMIM 616559.

Allele frequency attached by ClinVar (database versions not stated): gnomAD exomes 0.00001.
gnomAD v4.1: 7 of 1,613,920 alleles (0.00043%); highest among the groups gnomAD compares: Non-Finnish European, 0.00059%; no homozygotes.

Submission:

Labcorp Genetics (formerly Invitae), Labcorp
Classification: Uncertain significance for Noonan syndrome 9. Last evaluated: 2022-12-24. Review status: criteria provided, single submitter. Criteria: Invitae Variant Classification Sherloc (09022015). Collection method: clinical testing. Allele origin: germline.
Comment: This sequence change replaces valine, which is neutral and non-polar, with isoleucine, which is neutral and non-polar, at codon 576 of the SOS2 protein (p.Val576Ile). This variant is not present in population databases (gnomAD no frequency). This variant has not been reported in the literature in individuals affected with SOS2-related conditions. Advanced modeling of protein sequence and biophysical properties (such as structural, functional, and spatial information, amino acid conservation, physicochemical variation, residue mobility, and thermodynamic stability) performed at Invitae indicates that this missense variant is not expected to disrupt SOS2 protein function. In summary, the available evidence is currently insufficient to determine the role of this variant in disease. Therefore, it has been classified as a Variant of Uncertain Significance.